The following is an entry in ClinVar:

NM_000135.4(FANCA):c.894-8A>G

Gene: FANCA (FA complementation group A; minus strand). Cytogenetic location: 16q24.3.
Variant type: single nucleotide variant.
Coding change: c.894-8A>G on transcript NM_000135.4 (MANE Select); 8 bases into the intron before coding-DNA position 894, A replaced by G.
Molecular consequence: intron variant.
Genome position (GRCh38, 1-based): chr16:89,796,026, T>C on the plus strand (A>G on the coding strand, the complement: FANCA is on the minus strand). VCF-style: chr16-89796026-T-C. GRCh37 (hg19) VCF-style: chr16-89862434-T-C.
Other names: p.?; c.894-8A>G (LRG_495t1, NM_001286167.3, NM_000135.3).
Identifiers: ClinVar variation 255270 (VCV000255270.35), dbSNP rs11648881, ClinGen allele CA8252643.

ClinVar aggregate classification (germline): Benign/Likely benign. Review status: criteria provided, multiple submitters, no conflicts (2 of 4 stars). 12 submissions from 12 submitters: Benign (10); Likely benign (1). 1 of the submissions does not count toward it. Last evaluated 2026-06-26.

Conditions:
Fanconi anemia (FA). Also called: Fanconi's anemia. Identifiers: Orphanet 84, MedGen C0015625, MeSH D005199, MONDO:0019391.
Fanconi anemia complementation group A (FANCA). Also called: Fanconi anemia, group A; FANCA-Related Fanconi Anemia. Identifiers: Orphanet 84, MedGen C3469521, MONDO:0009215, OMIM 227650.

Allele frequency attached by ClinVar (database versions not stated): TOPMed 0.05952; ESP Exome Variant Server 0.06048; gnomAD 0.06110 and 0.06235; ExAC 0.07174; 1000 Genomes Project 30x 0.07183; gnomAD exomes 0.07372; 1000 Genomes Project 0.07548.
gnomAD v4.1: 127,362 of 1,610,696 alleles (7.9%); highest among the groups gnomAD compares: East Asian, 18%; 6,090 homozygotes.

Submissions (12):

Women's Health and Genetics/Laboratory Corporation of America, LabCorp
Classification: Benign. Last evaluated: 2026-06-26. Review status: criteria provided, single submitter. Criteria: LabCorp Variant Classification Summary - May 2015. Collection method: clinical testing. Allele origin: germline.

Labcorp Genetics (formerly Invitae), Labcorp
Classification: Benign for Fanconi anemia. Last evaluated: 2026-02-04. Review status: criteria provided, single submitter. Criteria: Invitae Variant Classification Sherloc (09022015). Collection method: clinical testing. Allele origin: germline.

Mayo Clinic Laboratories, Mayo Clinic
Classification: Benign. Last evaluated: 2025-09-16. Review status: criteria provided, single submitter. Criteria: ACMG Guidelines, 2015. Collection method: clinical testing. Allele origin: germline. Observed: 204 variant alleles.
Comment: BA1

ARUP Laboratories, Molecular Genetics and Genomics, ARUP Laboratories
Classification: Benign for Fanconi anemia complementation group A. Last evaluated: 2025-07-28. Review status: criteria provided, single submitter. Criteria: ARUP Molecular Germline Variant Investigation Process 2024. Collection method: clinical testing. Allele origin: germline.

GeneKor MSA
Classification: Benign for Fanconi anemia complementation group A. Last evaluated: 2025-07-10. Review status: criteria provided, single submitter. Criteria: ACMG Guidelines, 2015. Collection method: clinical testing. Allele origin: germline.

Blueprint Genetics
Classification: Likely benign. Last evaluated: 2024-11-27. Review status: criteria provided, single submitter. Criteria: ACMG Guidelines, 2015. Collection method: clinical testing. Allele origin: germline.

KCCC/NGS Laboratory, Kuwait Cancer Control Center
Classification: Benign for Fanconi anemia complementation group A. Last evaluated: 2023-07-07. Review status: criteria provided, single submitter. Criteria: ACMG Guidelines, 2015. Collection method: clinical testing. Allele origin: germline. Affected: yes.

GeneDx
Classification: Benign. Last evaluated: 2019-02-02. Review status: criteria provided, single submitter. Criteria: GeneDx Variant Classification Process June 2021. Collection method: clinical testing. Allele origin: germline. Affected: yes.
Comment: This variant is associated with the following publications: (PMID: 23021409)

Illumina Laboratory Services, Illumina
Classification: Benign for Fanconi anemia complementation group A. Last evaluated: 2018-01-13. Review status: criteria provided, single submitter. Criteria: ICSL Variant Classification Criteria 13 December 2019. Collection method: clinical testing. Allele origin: germline.
Comment: This variant was observed in the ICSL laboratory as part of a predisposition screen in an ostensibly healthy population. It had not been previously curated by ICSL or reported in the Human Gene Mutation Database (HGMD: prior to June 1st, 2018), and was therefore a candidate for classification through an automated scoring system. Utilizing variant allele frequency, disease prevalence and penetrance estimates, and inheritance mode, an automated score was calculated to assess if this variant is too frequent to cause the disease. Based on the score and internal cut-off values, a variant classified as benign is not then subjected to further curation. The score for this variant resulted in a classification of benign for this disease.

Breakthrough Genomics
Classification: Benign. Review status: criteria provided, single submitter. Criteria: ACMG Guidelines, 2015. Collection method: not provided. Allele origin: germline. Inheritance: Autosomal recessive inheritance. Affected: yes.

PreventionGenetics, part of Exact Sciences
Classification: Benign. Review status: criteria provided, single submitter. Criteria: ACMG Guidelines, 2015. Collection method: clinical testing. Allele origin: germline.

Natera, Inc.
Classification: Benign for Fanconi anemia, group A. Last evaluated: 2020-09-16. Review status: no assertion criteria provided. Collection method: clinical testing. Allele origin: germline. Not counted in ClinVar's aggregate classification.